The following is an entry in ClinVar:

ClinVar aggregate classification (germline): Uncertain significance. Review status: criteria provided, multiple submitters, no conflicts (2 of 4 stars). 3 submissions from 3 submitters: Uncertain significance (3). Last evaluated 2025-03-20.

Conditions:
Duane retraction syndrome. Also called: Duane Syndrome; Duane's syndrome; RETRACTION SYNDROME; Duane anomaly. Identifiers: Orphanet 233, MedGen C0013261, MONDO:0007473, HP:0009921.
Cardiovascular phenotype. Identifiers: MedGen CN230736.
RASopathy. Also called: rasopathies; Noonan spectrum disorder. Identifiers: Orphanet 536391, MedGen C5555857, MONDO:0021060.

Allele frequency attached by ClinVar (database versions not stated): gnomAD exomes below 0.00001.
gnomAD v4.1: 4 of 1,614,192 alleles (0.00025%); highest among the groups gnomAD compares: Non-Finnish European, 0.00025%; no homozygotes.

Submissions (3):

Ambry Genetics
Classification: Uncertain significance for Cardiovascular phenotype. Last evaluated: 2025-03-20. Review status: criteria provided, single submitter. Criteria: Ambry Variant Classification Scheme 2023. Collection method: clinical testing. Allele origin: germline.
Comment: The p.I522T variant (also known as c.1565T>C), located in coding exon 13 of the PTPN11 gene, results from a T to C substitution at nucleotide position 1565. The isoleucine at codon 522 is replaced by threonine, an amino acid with similar properties. This amino acid position is conserved. In addition, this alteration is predicted to be deleterious by in silico analysis. Based on the available evidence, the clinical significance of this variant remains unclear.

Labcorp Genetics (formerly Invitae), Labcorp
Classification: Uncertain significance for RASopathy. Last evaluated: 2024-03-16. Review status: criteria provided, single submitter. Criteria: Invitae Variant Classification Sherloc (09022015). Collection method: clinical testing. Allele origin: germline.
Comment: This sequence change replaces isoleucine, which is neutral and non-polar, with threonine, which is neutral and polar, at codon 522 of the PTPN11 protein (p.Ile522Thr). This variant is not present in population databases (gnomAD no frequency). This variant has not been reported in the literature in individuals affected with PTPN11-related conditions. Advanced modeling of protein sequence and biophysical properties (such as structural, functional, and spatial information, amino acid conservation, physicochemical variation, residue mobility, and thermodynamic stability) performed at Invitae indicates that this missense variant is expected to disrupt PTPN11 protein function with a positive predictive value of 95%. In summary, the available evidence is currently insufficient to determine the role of this variant in disease. Therefore, it has been classified as a Variant of Uncertain Significance.

Broad Center for Mendelian Genomics, Broad Institute of MIT and Harvard
Classification: Uncertain significance for Duane retraction syndrome. Last evaluated: 2024-03-13. Review status: criteria provided, single submitter. Criteria: ACMG Guidelines, 2015. Collection method: curation. Allele origin: germline. Inheritance: Autosomal dominant inheritance.
Comment: The p.Ile522Thr variant in PTPN11 has not been previously reported in individuals with Noonan syndrome. This variant was absent from large population studies. The number of missense variants reported in PTPN11 in the general population is lower than expected, suggesting there is little benign variation in this gene and slightly increasing the possibility that a missense variant in this gene may not be tolerated. Computational prediction tools and conservation analyses suggest that this variant may impact the protein, though this information is not predictive enough to determine pathogenicity. In summary, the clinical significance of the p.Ile522Thr variant is uncertain. ACMG/AMP Criteria applied: PM2_Supporting, PP2, PP3 (Richards 2015).

Literature cited by the submitters: PubMed 39033378 (cited by Broad Center for Mendelian Genomics, Broad Institute of MIT and Harvard).

NM_002834.5(PTPN11):c.1565T>C (p.Ile522Thr)

Gene: PTPN11 (protein tyrosine phosphatase non-receptor type 11; plus strand). Cytogenetic location: 12q24.13.
Variant type: single nucleotide variant.
Coding change: c.1565T>C on transcript NM_002834.5 (MANE Select); coding-DNA position 1565, T replaced by C.
Protein change: p.Ile522Thr; replaces isoleucine 522 with threonine.
Molecular consequence: missense variant.
Genome position (GRCh38, 1-based): chr12:112,489,141, T>C. VCF-style: chr12-112489141-T-C. GRCh37 (hg19) VCF-style: chr12-112926945-T-C.
Other names: NM_002834.5:c.1565T>C; c.1577T>C, p.Ile526Thr (NM_001330437.2); c.1562T>C, p.Ile521Thr (NM_001374625.1); short protein forms I521T, I522T, I526T.
Identifiers: ClinVar variation 3061835 (VCV003061835.4), dbSNP rs2135916641, ClinGen allele CA386780050.